The following is an entry in ClinVar:

ClinVar aggregate classification (germline): Uncertain significance (1 of 4 stars; one submission).

Allele frequency attached by ClinVar (database versions not stated): ExAC 0.00001; TOPMed 0.00002; gnomAD exomes below 0.00001.
gnomAD v4.1: 7 of 1,611,598 alleles (0.00043%); highest among the groups gnomAD compares: Admixed American, 0.0017%; no homozygotes.

Submission:

Labcorp Genetics (formerly Invitae), Labcorp
Classification: Uncertain significance. Last evaluated: 2022-10-05. Review status: criteria provided, single submitter. Criteria: Invitae Variant Classification Sherloc (09022015). Collection method: clinical testing. Allele origin: germline.
Comment: In summary, the available evidence is currently insufficient to determine the role of this variant in disease. Therefore, it has been classified as a Variant of Uncertain Significance. Variants that disrupt the consensus splice site are a relatively common cause of aberrant splicing (PMID: 17576681, 9536098). Algorithms developed to predict the effect of sequence changes on RNA splicing suggest that this variant is not likely to affect RNA splicing. ClinVar contains an entry for this variant (Variation ID: 1356174). This variant has not been reported in the literature in individuals affected with ARPC1B-related conditions. This variant is present in population databases (rs761445791, gnomAD 0.003%). This sequence change falls in intron 3 of the ARPC1B gene. It does not directly change the encoded amino acid sequence of the ARPC1B protein. It affects a nucleotide within the consensus splice site.

Literature cited by the submitters: PubMed 17576681; PubMed 9536098.

NM_005720.4(ARPC1B):c.169+4T>C

Gene: ARPC1B (actin related protein 2/3 complex subunit 1B; plus strand). Cytogenetic location: 7q22.1.
Variant type: single nucleotide variant.
Coding change: c.169+4T>C on transcript NM_005720.4 (MANE Select); 4 bases into the intron after coding-DNA position 169, T replaced by C.
Molecular consequence: intron variant.
Genome position (GRCh38, 1-based): chr7:99,386,793, T>C. VCF-style: chr7-99386793-T-C. GRCh37 (hg19) VCF-style: chr7-98984416-T-C.
Identifiers: ClinVar variation 1356174 (VCV001356174.4), dbSNP rs761445791, ClinGen allele CA4363914.